The following is an entry in ClinVar:

ClinVar aggregate classification (germline): Uncertain significance (1 of 4 stars; one submission).

Submission:

Labcorp Genetics (formerly Invitae), Labcorp
Classification: Uncertain significance. Last evaluated: 2022-08-09. Review status: criteria provided, single submitter. Criteria: Invitae Variant Classification Sherloc (09022015). Collection method: clinical testing. Allele origin: germline.
Comment: Experimental studies and prediction algorithms are not available or were not evaluated, and the effect of this variant on mRNA splicing is currently unknown. In summary, the available evidence is currently insufficient to determine the role of this variant in disease. Therefore, it has been classified as a Variant of Uncertain Significance. This variant has not been reported in the literature in individuals affected with CYFIP2-related conditions. Information on the frequency of this variant in the gnomAD database is not available, as this variant may be reported differently in the database. This sequence change falls in intron 18 of the CYFIP2 gene. It does not directly change the encoded amino acid sequence of the CYFIP2 protein.

NM_001037333.3(CYFIP2):c.2079+9_2079+10inv

Gene: CYFIP2 (cytoplasmic FMR1 interacting protein 2; plus strand). Cytogenetic location: 5q33.3.
Variant type: Inversion.
Coding change: c.2079+9_2079+10inv on transcript NM_001037333.3 (MANE Select).
Molecular consequence: intron variant.
Genome position: GRCh38 VCF-style: chr5-157326276-TG-CA. GRCh37 (hg19) VCF-style: chr5-156753284-TG-CA.
Other names: c.2154+9_2154+10inv (NM_001291722.2); c.2001+9_2001+10inv (NM_001291721.2); c.2079+9_2079+10inv (NM_014376.4).
Identifiers: ClinVar variation 2056524 (VCV002056524.4), ClinGen allele CA2580073941.
Genomic context (GRCh38, chr5:157,326,276, plus strand): 5'-TGCTCTGACCAAGTTTAAAAAGCAGTTCCTGTACGATGAGATAGAAGCTGAGGCAAGTGA[TG>CA]TGCTTCTCTTTTTGCTCCTTTAATCTTGTTCCAAATTCCGGACTTTTCCAGTCTTTTGCT-3'